The following is an entry in ClinVar:

ClinVar aggregate classification (germline): Uncertain significance. Review status: criteria provided, multiple submitters, no conflicts (2 of 4 stars). 2 submissions from 2 submitters: Uncertain significance (2). Last evaluated 2025-04-09.

gnomAD v4.1: 2 of 1,614,148 alleles (0.00012%); highest among the groups gnomAD compares: Non-Finnish European, 0.00017%; no homozygotes.

Submissions (2):

Ambry Genetics
Classification: Uncertain significance. Last evaluated: 2025-04-09. Review status: criteria provided, single submitter. Criteria: Ambry Variant Classification Scheme 2023. Collection method: clinical testing. Allele origin: germline.
Comment: The p.T40A variant (also known as c.118A>G), located in coding exon 1 of the GEN1 gene, results from an A to G substitution at nucleotide position 118. The threonine at codon 40 is replaced by alanine, an amino acid with similar properties. This amino acid position is conserved. In addition, this alteration is predicted to be tolerated by in silico analysis. Based on the available evidence, the clinical significance of this variant remains unclear.

Labcorp Genetics (formerly Invitae), Labcorp
Classification: Uncertain significance. Last evaluated: 2021-09-01. Review status: criteria provided, single submitter. Criteria: Invitae Variant Classification Sherloc (09022015). Collection method: clinical testing. Allele origin: germline.
Comment: This variant has not been reported in the literature in individuals affected with GEN1-related conditions. Algorithms developed to predict the effect of missense changes on protein structure and function output the following: SIFT: "Tolerated"; PolyPhen-2: "Benign"; Align-GVGD: "Class C0". The alanine amino acid residue is found in multiple mammalian species, which suggests that this missense change does not adversely affect protein function. In summary, the available evidence is currently insufficient to determine the role of this variant in disease. Therefore, it has been classified as a Variant of Uncertain Significance. This variant is not present in population databases (ExAC no frequency). This sequence change replaces threonine with alanine at codon 40 of the GEN1 protein (p.Thr40Ala). The threonine residue is moderately conserved and there is a small physicochemical difference between threonine and alanine.

NM_001130009.3(GEN1):c.118A>G (p.Thr40Ala)

Gene: GEN1 (GEN1 structure-specific endonuclease; plus strand). Cytogenetic location: 2p24.2.
Variant type: single nucleotide variant.
Coding change: c.118A>G on transcript NM_001130009.3 (MANE Select); coding-DNA position 118, A replaced by G.
Protein change: p.Thr40Ala; replaces threonine 40 with alanine.
Molecular consequence: missense variant.
Genome position (GRCh38, 1-based): chr2:17,760,061, A>G. VCF-style: chr2-17760061-A-G. GRCh37 (hg19) VCF-style: chr2-17941328-A-G.
Other names: c.118A>G (NM_001130009.1); c.118A>G, p.Thr40Ala (NM_182625.5); short protein forms T40A.
Identifiers: ClinVar variation 1389890 (VCV001389890.7), dbSNP rs376881321, ClinGen allele CA345905763.